The following is an entry in ClinVar:

NM_001270891.2(TRAPPC6A):c.189G>A (p.Leu63=)

Gene: TRAPPC6A (trafficking protein particle complex subunit 6A; minus strand). Cytogenetic location: 19q13.32.
Variant type: single nucleotide variant.
Coding change: c.189G>A on transcript NM_001270891.2 (MANE Select); coding-DNA position 189, G replaced by A.
Protein change: p.Leu63=; no amino-acid change (leucine 63 retained).
Molecular consequence: synonymous variant. On other transcripts: missense variant (2).
Genome position (GRCh38, 1-based): chr19:45,164,934, C>T on the plus strand (G>A on the coding strand, the complement: TRAPPC6A is on the minus strand). VCF-style: chr19-45164934-C-T. GRCh37 (hg19) VCF-style: chr19-45668192-C-T.
Other names: c.163G>A, p.Gly55Arg (NM_001270892.2); c.121G>A, p.Gly41Arg (NM_001270893.2); c.231G>A, p.Leu77= (NM_024108.3); short protein forms G41R, G55R.
Identifiers: ClinVar variation 3037458 (VCV003037458.2), dbSNP rs35565182, ClinGen allele CA9510056.

ClinVar aggregate classification (germline): Benign (0 of 4 stars; one submission).

Conditions:
TRAPPC6A-related disorder. Also called: TRAPPC6A-related condition.

Allele frequency attached by ClinVar (database versions not stated): gnomAD exomes 0.00033; ExAC 0.00122; 1000 Genomes Project 30x 0.00359; gnomAD 0.00364; 1000 Genomes Project 0.00379; TOPMed 0.00406; ESP Exome Variant Server 0.00492.
gnomAD v4.1: 1,073 of 1,614,160 alleles (0.066%); highest among the groups gnomAD compares: African/African-American, 1.3%; 9 homozygotes.

Submission:

PreventionGenetics, part of Exact Sciences
Classification: Benign for TRAPPC6A-related condition. Last evaluated: 2019-05-08. Review status: no assertion criteria provided. Collection method: clinical testing. Allele origin: germline.
Comment: This variant is classified as benign based on ACMG/AMP sequence variant interpretation guidelines (Richards et al. 2015 PMID: 25741868, with internal and published modifications).